The following is an entry in ClinVar:

NM_007286.6(SYNPO):c.1802A>G (p.Asn601Ser)

Gene: SYNPO (synaptopodin; plus strand). Cytogenetic location: 5q33.1.
Variant type: single nucleotide variant.
Coding change: c.1802A>G on transcript NM_007286.6 (MANE Select); coding-DNA position 1802, A replaced by G.
Protein change: p.Asn601Ser; replaces asparagine 601 with serine.
Molecular consequence: missense variant.
Genome position (GRCh38, 1-based): chr5:150,650,077, A>G. VCF-style: chr5-150650077-A-G. GRCh37 (hg19) VCF-style: chr5-150029639-A-G.
Other names: c.1802A>G, p.Asn601Ser (NM_001109974.3); c.2534A>G, p.Asn845Ser (NM_001166208.2, NM_001166209.2); c.2534A>G (NM_001166208.1); short protein forms N845S, N601S.
Identifiers: ClinVar variation 2961568 (VCV002961568.4), dbSNP rs766926614, ClinGen allele CA3513489.

ClinVar aggregate classification (germline): Conflicting classifications of pathogenicity. Review status: criteria provided, conflicting classifications (1 of 4 stars). 2 submissions from 2 submitters: Uncertain significance (1); Likely benign (1). Last evaluated 2025-10-03.

Allele frequency attached by ClinVar (database versions not stated): gnomAD 0.00003; ExAC 0.00005; TOPMed 0.00006; gnomAD exomes 0.00006.
gnomAD v4.1: 108 of 1,613,148 alleles (0.0067%); highest among the groups gnomAD compares: Middle Eastern, 0.099%; no homozygotes.

Submissions (2):

Labcorp Genetics (formerly Invitae), Labcorp
Classification: Uncertain significance. Last evaluated: 2025-10-03. Review status: criteria provided, single submitter. Criteria: Invitae Variant Classification Sherloc (09022015). Collection method: clinical testing. Allele origin: germline.
Comment: This sequence change replaces asparagine, which is neutral and polar, with serine, which is neutral and polar, at codon 601 of the SYNPO protein (p.Asn601Ser). This variant is present in population databases (rs766926614, gnomAD 0.009%). This variant has not been reported in the literature in individuals affected with SYNPO-related conditions. ClinVar contains an entry for this variant (Variation ID: 2961568). An algorithm developed to predict the effect of missense changes on protein structure and function outputs the following: PolyPhen-2: "Benign". The serine amino acid residue is found in multiple mammalian species, which suggests that this missense change does not adversely affect protein function. In summary, the available evidence is currently insufficient to determine the role of this variant in disease. Therefore, it has been classified as a Variant of Uncertain Significance.

Ambry Genetics
Classification: Likely benign. Last evaluated: 2025-02-19. Review status: criteria provided, single submitter. Criteria: Ambry Variant Classification Scheme 2023. Collection method: clinical testing. Allele origin: germline.